The following is an entry in ClinVar:

ClinVar aggregate classification (germline): Uncertain significance (1 of 4 stars; one submission).

Conditions:
Leigh syndrome (NULS). Also called: Leigh's necrotizing encephalopathy; Leigh's disease; Leigh's syndrome; LEIGH SYNDROME, NUCLEAR; Leigh Syndrome (mtDNA deletion); Leigh Disease. Identifiers: Orphanet 506, MedGen C2931891, MONDO:0009723, OMIM 256000.

Submission:

Wong Mito Lab, Molecular and Human Genetics, Baylor College of Medicine
Classification: Uncertain significance for Leigh syndrome. Last evaluated: 2019-10-17. Review status: criteria provided, single submitter. Criteria: Modified ACMG Guidelines (Unpublished). Collection method: clinical testing. Allele origin: germline.
Comment: The NC_012920.1:m.14921G>A (YP_003024038.1:p.Ala59Thr) variant in MTCYB gene is interpretated to be a Uncertain Significance variant based on the modified ACMG guidelines (unpublished). This variant meets the following evidence codes: PP6

NC_012920.1(MT-CYB):m.14921G>A

Gene: MT-CYB (mitochondrially encoded cytochrome b; plus strand).
Variant type: single nucleotide variant.
Genome position: chrM-14921-G-A.
Identifiers: ClinVar variation 693789 (VCV000693789.1), dbSNP rs1603224964, ClinGen allele CA645611440.
Genomic context (GRCh38, chrMT:14,921, plus strand): 5'-GCCTGCCTGATCCTCCAAATCACCACAGGACTATTCCTAGCCATGCACTACTCACCAGAC[G>A]CCTCAACCGCCTTTTCATCAATCGCCCACATCACTCGAGACGTAAATTATGGCTGAATCA-3'